The following is an entry in ClinVar:

ClinVar aggregate classification (germline): Uncertain significance (1 of 4 stars; one submission).

gnomAD v4.1: 3 of 1,603,148 alleles (0.00019%); highest among the groups gnomAD compares: East Asian, 0.0067%; no homozygotes.

Submission:

Labcorp Genetics (formerly Invitae), Labcorp
Classification: Uncertain significance. Last evaluated: 2024-07-05. Review status: criteria provided, single submitter. Criteria: Invitae Variant Classification Sherloc (09022015). Collection method: clinical testing. Allele origin: germline.
Comment: This sequence change replaces proline, which is neutral and non-polar, with alanine, which is neutral and non-polar, at codon 883 of the PCLO protein (p.Pro883Ala). This variant is present in population databases (no rsID available, gnomAD 0.01%). This variant has not been reported in the literature in individuals affected with PCLO-related conditions. Experimental studies and prediction algorithms are not available or were not evaluated, and the functional significance of this variant is currently unknown. In summary, the available evidence is currently insufficient to determine the role of this variant in disease. Therefore, it has been classified as a Variant of Uncertain Significance.

NM_033026.6(PCLO):c.2647C>G (p.Pro883Ala)

Gene: PCLO (piccolo presynaptic cytomatrix protein; minus strand). Cytogenetic location: 7q21.11.
Variant type: single nucleotide variant.
Coding change: c.2647C>G on transcript NM_033026.6 (MANE Select); coding-DNA position 2647, C replaced by G.
Protein change: p.Pro883Ala; replaces proline 883 with alanine.
Molecular consequence: missense variant.
Genome position (GRCh38, 1-based): chr7:83,134,903, G>C on the plus strand (C>G on the coding strand, the complement: PCLO is on the minus strand). VCF-style: chr7-83134903-G-C. GRCh37 (hg19) VCF-style: chr7-82764219-G-C.
Other names: c.2647C>G, p.Pro883Ala (NM_014510.3); short protein forms P883A.
Identifiers: ClinVar variation 3603642 (VCV003603642.2).
Genomic context (GRCh38, chr7:83,134,903, plus strand): 5'-TTGACTGCTCCTGAGGCTTTGGGGACTGTTGAGGTGTGGGGACAGTTTGGCCAGCGGTAG[G>C]TCGTGGGCCAGGGGGTGTTGGTGACCCTTTTGGCATTGGCTTGGCATCTGGTTTAGGACT-3'
Protein context (NP_149015.2, residues 873-893): KGSPTPPGPR[Pro883Ala]TAGQTVPTPQ